The following is an entry in ClinVar:

NM_021008.4(DEAF1):c.54_86dup (p.Ala29_Ala30insValAlaAlaAlaAlaAlaValAlaAlaAlaAla)

Gene: DEAF1 (DEAF1 transcription factor; minus strand). Cytogenetic location: 11p15.5.
Variant type: Duplication.
Coding change: c.54_86dup on transcript NM_021008.4 (MANE Select); coding-DNA positions 54 to 86, 33 bases duplicated.
Protein change: p.Ala29_Ala30insValAlaAlaAlaAlaAlaValAlaAlaAlaAla.
Molecular consequence: inframe insertion. On other transcripts: inframe indel (1), intron variant (1).
Genome position (GRCh38, 1-based): chr11:694,962-694,994, 33 bases duplicated; duplicating any 33 consecutive bases within chr11:694,962-695,003 gives the same sequence; the c. name uses the placement nearest the transcript's 3' end. GRCh37 (hg19): chr11:694,971-695,003.
Other names: c.45_77dup, p.Ala29_Ala30insValAlaAlaAlaAlaAlaValAlaAlaAlaAla (NM_001293634.2); c.-437-3396_-437-3364dup (NM_001367390.1).
Identifiers: ClinVar variation 3613261 (VCV003613261.2).
Genomic context (GRCh38, chr11:694,961, plus strand): 5'-CTCCGAGTCCTCGTCCCTGCTCAGCACCGGCTCCTCCGCCTCGCCTCCTGCCGCGGCCGC[G>GGCCGCCGCCGCCACAGCGGCCGCGGCCGCCACC]GCCGCCGCCGCCACAGCGGCCGCGGCCGCCACCGCCGCCGCCTCAGCCAGGCCCAGCTGC-3'

ClinVar aggregate classification (germline): Uncertain significance (1 of 4 stars; one submission).

Submission:

Labcorp Genetics (formerly Invitae), Labcorp
Classification: Uncertain significance. Last evaluated: 2024-12-08. Review status: criteria provided, single submitter. Criteria: Invitae Variant Classification Sherloc (09022015). Collection method: clinical testing. Allele origin: germline.
Comment: This variant, c.54_86dup, results in the insertion of 11 amino acid(s) of the DEAF1 protein (p.Val19_Ala29dup), but otherwise preserves the integrity of the reading frame. This variant is not present in population databases (gnomAD no frequency). This variant has not been reported in the literature in individuals affected with DEAF1-related conditions. Experimental studies and prediction algorithms are not available or were not evaluated, and the functional significance of this variant is currently unknown. In summary, the available evidence is currently insufficient to determine the role of this variant in disease. Therefore, it has been classified as a Variant of Uncertain Significance.